The following is an entry in ClinVar:

NM_001105206.3(LAMA4):c.1306T>C (p.Phe436Leu)

Gene: LAMA4 (laminin subunit alpha 4; minus strand). Cytogenetic location: 6q21.
Variant type: single nucleotide variant.
Coding change: c.1306T>C on transcript NM_001105206.3 (MANE Select); coding-DNA position 1306, T replaced by C.
Protein change: p.Phe436Leu; replaces phenylalanine 436 with leucine.
Molecular consequence: missense variant.
Genome position (GRCh38, 1-based): chr6:112,175,364, A>G on the plus strand (T>C on the coding strand, the complement: LAMA4 is on the minus strand). VCF-style: chr6-112175364-A-G. GRCh37 (hg19) VCF-style: chr6-112496566-A-G.
Other names: c.1285T>C, p.Phe429Leu (NM_001105207.3, NM_002290.5); short protein forms F429L, F436L.
Identifiers: ClinVar variation 3222018 (VCV003222018.1), dbSNP rs2547115438, ClinGen allele CA365371722.
Genomic context (GRCh38, chr6:112,175,364, plus strand): 5'-TACACCTACGTTCGTAAGCCTCATCTGCCTCCTCATCCACGAGCTCCCGTTGGGTGAAAA[A>G]TGGTTGACGGCTTCTAATCTCTTCAAGCATCTTCTGGGCCAACACCAGCTTCTCAGAGAT-3'
Protein context (NP_001098676.2, residues 426-446): MLEEIRSRQP[Phe436Leu]FTQRELVDEE

ClinVar aggregate classification (germline): Uncertain significance (1 of 4 stars; one submission).

Conditions:
Cardiovascular phenotype. Identifiers: MedGen CN230736.

Allele frequency attached by ClinVar (database versions not stated): gnomAD exomes 0.00001.
gnomAD v4.1: 9 of 1,614,128 alleles (0.00056%); highest among the groups gnomAD compares: Non-Finnish European, 0.00076%; no homozygotes.

Submission:

Ambry Genetics
Classification: Uncertain significance for Cardiovascular phenotype. Last evaluated: 2023-09-22. Review status: criteria provided, single submitter. Criteria: Ambry Variant Classification Scheme 2023. Collection method: clinical testing. Allele origin: germline.
Comment: The p.F429L variant (also known as c.1285T>C), located in coding exon 10 of the LAMA4 gene, results from a T to C substitution at nucleotide position 1285. The phenylalanine at codon 429 is replaced by leucine, an amino acid with highly similar properties. This amino acid position is conserved. In addition, this alteration is predicted to be tolerated by in silico analysis. Since supporting evidence is limited at this time, the clinical significance of this alteration remains unclear.